The following is an entry in ClinVar:

NM_001365536.1(SCN9A):c.1998G>C (p.Lys666Asn)

Genes: SCN9A (sodium voltage-gated channel alpha subunit 9; minus strand), SCN1A-AS1 (SCN1A and SCN9A antisense RNA 1; plus strand). Cytogenetic location: 2q24.3.
Variant type: single nucleotide variant.
Coding change: c.1998G>C on transcript NM_001365536.1 (MANE Select); coding-DNA position 1998, G replaced by C.
Protein change: p.Lys666Asn; replaces lysine 666 with asparagine.
Molecular consequence: missense variant.
Genome position (GRCh38, 1-based): chr2:166,281,785, C>G on the plus strand (G>C on the coding strand, the complement: SCN9A is on the minus strand). VCF-style: chr2-166281785-C-G. GRCh37 (hg19) VCF-style: chr2-167138295-C-G.
Other names: c.1965G>C, p.Lys655Asn (NM_002977.4); short protein forms K666N, K655N.
Identifiers: ClinVar variation 642002 (VCV000642002.13), dbSNP rs369989247, ClinGen allele CA1944364.

ClinVar aggregate classification (germline): Uncertain significance. Review status: criteria provided, multiple submitters, no conflicts (2 of 4 stars). 5 submissions from 3 submitters: Uncertain significance (5). Last evaluated 2025-08-21.

Conditions:
Paroxysmal extreme pain disorder (PEXPD). Also called: PAIN, SUBMANDIBULAR, OCULAR, AND RECTAL, WITH FLUSHING; RECTAL PAIN, FAMILIAL; SCN9A Paroxysmal Extreme Pain Disorder (SCN9A-PEPD). Identifiers: Orphanet 46348, MedGen C1833661, MONDO:0008179, OMIM 167400.
Channelopathy-associated congenital insensitivity to pain, autosomal recessive. Also called: Insensitivity to pain, channelopathy-associated; ASYMBOLIA FOR PAIN; CONGENITAL ANALGESIA, AUTOSOMAL RECESSIVE. Identifiers: Orphanet 88642, Orphanet 970, MedGen C1855739, MONDO:0009459, OMIM 243000.
Primary erythromelalgia. Also called: SCN9A Erythromelalgia (SCN9A-EM); primary erythermalgia. Identifiers: Orphanet 306577, Orphanet 90026, MedGen C0014805, MONDO:0007571, OMIM 133020.
Neuropathy, hereditary sensory and autonomic, type 2A (HSAN2A). Also called: HSAN IIA; MORVAN DISEASE; NEUROPATHY, CONGENITAL SENSORY; NEUROPATHY, HEREDITARY SENSORY RADICULAR, AUTOSOMAL RECESSIVE; NEUROPATHY, HEREDITARY SENSORY, TYPE IIA; NEUROPATHY, PROGRESSIVE SENSORY, OF CHILDREN. Identifiers: Orphanet 970, MedGen C2752089, MONDO:0024309, OMIM 201300.
Generalized epilepsy with febrile seizures plus, type 7 (GEFSP7). Also called: GEFS+, TYPE 7. Identifiers: Orphanet 36387, MedGen C2751778, MONDO:0013470, OMIM 613863.
Inborn genetic diseases. Identifiers: MedGen C0950123, MeSH D030342.

Allele frequency attached by ClinVar (database versions not stated): gnomAD exomes below 0.00001; TOPMed below 0.00001; ExAC 0.00002; ESP Exome Variant Server 0.00008.
gnomAD v4.1: 1 of 1,612,212 alleles (0.000062%); highest among the groups gnomAD compares: Non-Finnish European, 0.000085%; no homozygotes.

Submissions (5):

Ambry Genetics
Classification: Uncertain significance for Inborn genetic diseases. Last evaluated: 2025-08-21. Review status: criteria provided, single submitter. Criteria: Ambry Variant Classification Scheme 2023. Collection method: clinical testing. Allele origin: germline.

Labcorp Genetics (formerly Invitae), Labcorp
Classification: Uncertain significance for Neuropathy, hereditary sensory and autonomic, type 2A; Generalized epilepsy with febrile seizures plus, type 7. Last evaluated: 2024-11-21. Review status: criteria provided, single submitter. Criteria: Invitae Variant Classification Sherloc (09022015). Collection method: clinical testing. Allele origin: germline.
Comment: This sequence change replaces lysine, which is basic and polar, with asparagine, which is neutral and polar, at codon 655 of the SCN9A protein (p.Lys655Asn). This variant is present in population databases (rs369989247, gnomAD 0.002%). This variant has not been reported in the literature in individuals affected with SCN9A-related conditions. ClinVar contains an entry for this variant (Variation ID: 642002). Invitae Evidence Modeling of protein sequence and biophysical properties (such as structural, functional, and spatial information, amino acid conservation, physicochemical variation, residue mobility, and thermodynamic stability) indicates that this missense variant is not expected to disrupt SCN9A protein function with a negative predictive value of 95%. In summary, the available evidence is currently insufficient to determine the role of this variant in disease. Therefore, it has been classified as a Variant of Uncertain Significance.

Illumina Laboratory Services, Illumina
Classification: Uncertain significance for Primary erythromelalgia. Last evaluated: 2017-04-27. Review status: criteria provided, single submitter. Criteria: ICSL Variant Classification Criteria 13 December 2019. Collection method: clinical testing. Allele origin: germline.

Illumina Laboratory Services, Illumina
Classification: Uncertain significance for Channelopathy-associated congenital insensitivity to pain, autosomal recessive. Last evaluated: 2017-04-27. Review status: criteria provided, single submitter. Criteria: ICSL Variant Classification Criteria 13 December 2019. Collection method: clinical testing. Allele origin: germline.

Illumina Laboratory Services, Illumina
Classification: Uncertain significance for Paroxysmal extreme pain disorder. Last evaluated: 2017-04-27. Review status: criteria provided, single submitter. Criteria: ICSL Variant Classification Criteria 13 December 2019. Collection method: clinical testing. Allele origin: germline.